The following is an entry in ClinVar:

NM_004168.4(SDHA):c.63+10T>G

Gene: SDHA (succinate dehydrogenase complex flavoprotein subunit A; plus strand). Cytogenetic location: 5p15.33.
Variant type: single nucleotide variant.
Coding change: c.63+10T>G on transcript NM_004168.4 (MANE Select); 10 bases into the intron after coding-DNA position 63, T replaced by G.
Molecular consequence: intron variant.
Genome position (GRCh38, 1-based): chr5:218,428, T>G. VCF-style: chr5-218428-T-G. GRCh37 (hg19) VCF-style: chr5-218543-T-G.
Other names: c.63+10T>G (NM_001330758.2, NM_001294332.2).
Identifiers: ClinVar variation 1963189 (VCV001963189.6), dbSNP rs2126522948, ClinGen allele CA2580073071.

ClinVar aggregate classification (germline): Likely benign. Review status: criteria provided, multiple submitters, no conflicts (2 of 4 stars). 2 submissions from 2 submitters: Likely benign (2). Last evaluated 2025-02-28.

Conditions:
Mitochondrial complex II deficiency, nuclear type 1. Also called: SUCCINATE CoQ REDUCTASE DEFICIENCY. Identifiers: Orphanet 3208, MedGen C5700310, MONDO:0100294, OMIM 252011.
Pheochromocytoma/paraganglioma syndrome 5. Also called: Paragangliomas 5; SDHA-Related Hereditary Paraganglioma-Pheochromocytoma Syndrome. Identifiers: Orphanet 29072, MedGen C3279992, MONDO:0013602, OMIM 614165.

Submissions (2):

Myriad Genetics, Inc.
Classification: Likely benign for Pheochromocytoma/paraganglioma syndrome 5. Last evaluated: 2025-02-28. Review status: criteria provided, single submitter. Criteria: Myriad Autosomal Dominant, Autosomal Recessive and X-Linked Classification Criteria (2023). Collection method: clinical testing. Allele origin: unknown.
Comment: This variant is considered likely benign. This variant is intronic and is not expected to impact mRNA splicing.

Labcorp Genetics (formerly Invitae), Labcorp
Classification: Likely benign for Pheochromocytoma/paraganglioma syndrome 5; Mitochondrial complex II deficiency, nuclear type 1. Last evaluated: 2024-12-09. Review status: criteria provided, single submitter. Criteria: Invitae Variant Classification Sherloc (09022015). Collection method: clinical testing. Allele origin: germline.